The following is an entry in ClinVar:

ClinVar aggregate classification (germline): Pathogenic. Review status: criteria provided, multiple submitters, no conflicts (2 of 4 stars). 14 submissions from 14 submitters: Pathogenic (11). 3 of the submissions do not count toward it. Last evaluated 2025-11-13.
ClinVar aggregate classification (oncogenicity): Likely oncogenic (1 of 4 stars; one submission).

Conditions:
Gastric cancer. Also called: Stomach cancer; Malignant tumor of stomach. Identifiers: MedGen C0024623, MeSH D013274, MONDO:0001056, OMIM 613659, HP:0012126.
Hepatocellular carcinoma (HCC). Also called: Primary carcinoma of liver; HEPATOMA; LIVER CELL CARCINOMA. Identifiers: Orphanet 88673, MedGen C2239176, MONDO:0007256, OMIM 114550, HP:0001402.
Desmoid disease, hereditary (DESMD). Also called: FIBROMATOSIS, FAMILIAL INFILTRATIVE. Identifiers: Orphanet 873, MedGen C1851124, OMIM 135290. Disease mechanism: loss of function.
Neoplasm of stomach. Also called: Stomach Neoplasms; Gastric neoplasm; Neoplasm of the stomach. Identifiers: MedGen C0038356, MONDO:0021085, HP:0006753. Disease mechanism: gain of function. Inheritance: Somatic mutation.
Familial adenomatous polyposis 1 (FAP1). Also called: FAMILIAL ADENOMATOUS POLYPOSIS 1, ATTENUATED; POLYPOSIS, ADENOMATOUS INTESTINAL. Identifiers: MedGen C2713442, MONDO:0021056, OMIM 175100. Disease mechanism: loss of function.
Carcinoma of colon (CRC). Also called: Colon carcinoma; Colonic carcinoma. Identifiers: MedGen C0699790, MONDO:0002032.
Hereditary cancer-predisposing syndrome. Also called: Neoplastic Syndromes, Hereditary; Tumor predisposition; Hereditary neoplastic syndrome; Hereditary Cancer Syndrome. Identifiers: Orphanet 140162, MedGen C0027672, MeSH D009386, MONDO:0015356.
Familial multiple polyposis syndrome (FAP). Also called: Familial polyposis; Familial adenomatous polyposis; Familial intestinal polyposis; Classic familial adenomatous polyposis; Familial Adenomatous Polyposis (FAP). Identifiers: Orphanet 733, MedGen C0032580, MONDO:0021055. Disease mechanism: loss of function.
Colorectal cancer, susceptibility to. Identifiers: MedGen C1858438.
Neoplasm. Also called: tumor; Neoplasms; Neoplasm (disease). Identifiers: MedGen C0027651, MeSH D009369, MONDO:0005070, HP:0002664.

Allele frequency attached by ClinVar (database versions not stated): gnomAD exomes below 0.00001.
gnomAD v4.1: 1 of 1,613,488 alleles (0.000062%); highest among the groups gnomAD compares: Non-Finnish European, 0.000085%; no homozygotes.

Submissions 1 to 9 of 17:

Center for Genomic Medicine, Rigshospitalet, Copenhagen University Hospital
Classification: Likely oncogenic for Neoplasm. Last evaluated: 2025-12-29. Review status: criteria provided, single submitter. Criteria: ClinGen/CGC/VICC Guidelines for Oncogenicity, 2022. Collection method: clinical testing. Allele origin: somatic. Affected: yes.

Labcorp Genetics (formerly Invitae), Labcorp
Classification: Pathogenic for Familial adenomatous polyposis 1. Last evaluated: 2025-11-13. Review status: criteria provided, single submitter. Criteria: Invitae Variant Classification Sherloc (09022015). Collection method: clinical testing. Allele origin: germline.
Comment: This sequence change creates a premature translational stop signal (p.Arg554*) in the APC gene. It is expected to result in an absent or disrupted protein product. Loss-of-function variants in APC are known to be pathogenic (PMID: 17963004, 20685668). This variant is not present in population databases (gnomAD no frequency). This premature translational stop signal has been observed in individual(s) with familial adenomatous polyposis (PMID: 1324223, 12357334, 15108286, 15951963, 20223039, 20685668, 20924072). ClinVar contains an entry for this variant (Variation ID: 807). For these reasons, this variant has been classified as Pathogenic.

Ambry Genetics
Classification: Pathogenic for Hereditary cancer-predisposing syndrome. Last evaluated: 2025-05-09. Review status: criteria provided, single submitter. Criteria: Ambry Variant Classification Scheme 2023. Collection method: clinical testing. Allele origin: germline.
Comment: The p.R554* pathogenic mutation (also known as c.1660C>T), located in coding exon 13 of the APC gene, results from a C to T substitution at nucleotide position 1660. This changes the amino acid from an arginine to a stop codon within coding exon 13. This mutation has been reported in multiple individuals diagnosed with familial adenomatous polyposis (FAP) or attenuated FAP (AFAP) (Fodde R et al. Genomics, 1992 Aug;13:1162-8; Ripa R et al. Eur J Hum Genet, 2002 Oct;10:631-7; Friedl W et al. Hered Cancer Clin Pract, 2005 Sep;3:95-114; Truta B et al. Fam Cancer, 2005;4:127-33; Filipe B et al. Clin Genet, 2009 Sep;76:242-55; Lagarde A et al. J Med Genet, 2010 Oct;47:721-2; Rivera B et al. Ann Oncol, 2011 Apr;22:903-909; de Oliveira JC et al. Cancer Med, 2019 05;8:2114-2122; Staninova-Stojovska M et al. Balkan J Med Genet, 2019 Dec;22:5-16). This variant is considered to be rare based on population cohorts in the Genome Aggregation Database (gnomAD). In addition to the clinical data presented in the literature, this alteration is expected to result in loss of function by premature protein truncation or nonsense-mediated mRNA decay. As such, this alteration is interpreted as a disease-causing mutation.

KCCC/NGS Laboratory, Kuwait Cancer Control Center
Classification: Pathogenic for Familial adenomatous polyposis 1. Last evaluated: 2024-11-03. Review status: criteria provided, single submitter. Criteria: ACMG Guidelines, 2015. Collection method: clinical testing. Allele origin: germline. Inheritance: Autosomal dominant inheritance. Affected: yes. Observed: 1 heterozygote.
Comment: This sequence change creates a premature translational stop signal (p.Arg554*) in the APC gene. It is expected to result in an absent or disrupted protein product. Loss-of function variants in APC are known to be pathogenic (PMID: 17963004, 20685668). This variant is not present in population databases (gnomAD no frequency). This premature translational stop signal has been observed in individual(s) with familial adenomatous polyposis (PMID: 1324223, 12357334, 15108286, 15951963, 20223039, 20685668, 20924072). ClinVar contains an entry for this variant (Variation ID: 807) classified as pathogenic by multiple submitters, no conflicts. For these reasons, this variant has been classified as Pathogenic

Myriad Genetics, Inc.
Classification: Pathogenic for Familial adenomatous polyposis 1. Last evaluated: 2023-05-02. Review status: criteria provided, single submitter. Criteria: Myriad Autosomal Dominant, Autosomal Recessive and X-Linked Classification Criteria (2023). Collection method: clinical testing. Allele origin: unknown.
Comment: This variant is considered pathogenic. This variant creates a termination codon and is predicted to result in premature protein truncation.

Institute for Genomic Medicine (IGM) Clinical Laboratory, Nationwide Children's Hospital
Classification: Pathogenic for Familial adenomatous polyposis 1. Last evaluated: 2023-03-21. Review status: criteria provided, single submitter. Criteria: ACMG Guidelines, 2015. Collection method: clinical testing. Allele origin: germline.
Comment: This variant is predicted to result in loss of function through nonsense-mediated decay of the encoded transcript or premature truncation of the encoded protein in a gene in which loss of function is a known mechanism of disease (ACMG/AMP: PVS1; PMIDs:1324223, 12357334, 15108286, 15951963, 20223039, 30897307). This variant has been reported at an elevated frequency in affected individuals/in multiple affected individuals in the literature (ACMG/AMP: PS4; PMIDs:1324223, 12357334, 15108286, 15951963, 20223039, 26613750, 30897307, 31942411). This variant is absent from or present at an exceedingly low frequency in gnomAD, a large-scale control population database (ACMG/AMP: PM2).

Genetics and Molecular Pathology, SA Pathology
Classification: Pathogenic for Familial adenomatous polyposis 1. Last evaluated: 2022-01-11. Review status: criteria provided, single submitter. Criteria: ACMG Guidelines, 2015. Collection method: clinical testing. Allele origin: germline. Inheritance: Autosomal dominant inheritance. Affected: yes.

Laboratory for Molecular Medicine, Mass General Brigham Personalized Medicine
Classification: Pathogenic for Familial multiple polyposis syndrome. Last evaluated: 2021-06-28. Review status: criteria provided, single submitter. Criteria: ACMG Guidelines, 2015. Collection method: clinical testing. Allele origin: germline. Inheritance: Autosomal dominant inheritance.
Comment: The p.Arg554X variant in APC has been previously reported in at least 15 individuals with familial adenomatous polyposis (FAP) (Fodde 1992, Ripa 2002, Friedl 2005, Rivera 2011, Bisgaard 2004, Truta 2005) and was absent from large population studies. It has also been reported in ClinVar (Variation ID#807). This nonsense variant leads to a premature termination codon at position 554, which is predicted to lead to a truncated or absent protein. Heterozygous loss of function of the APC gene is an established disease mechanism in individuals with FAP. In summary, this variant meets criteria to be classified as pathogenic for familial adenomatous polyposis in an autosomal dominant manner. ACMG/AMP Criteria applied: PVS1, PS4, PM2_Supporting.

Color Diagnostics, LLC DBA Color Health
Classification: Pathogenic for Hereditary cancer-predisposing syndrome. Last evaluated: 2020-03-03. Review status: criteria provided, single submitter. Criteria: ACMG Guidelines, 2015. Collection method: clinical testing. Allele origin: germline.
Comment: This variant changes 1 nucleotide in exon 14 of the APC gene, creating a premature translation stop signal. This variant is expected to result in an absent or non-functional protein product. To our knowledge, functional studies have not been reported for this variant. This variant has been reported in individuals affected with familial adenomatous polyposis (PMID: 1324223, 7524601, 10077047, 12357334, 15951963, 16680592, 19793053, 20223039, 20685668, 20924072, 21643010, 21779980, 26622826, 26845104). This variant has not been identified in the general population by the Genome Aggregation Database (gnomAD). Loss of APC function is a known mechanism of disease. Based on the available evidence, this variant is classified as Pathogenic.

NM_000038.6(APC):c.1660C>T (p.Arg554Ter)

Gene: APC (APC regulator of Wnt signaling pathway; plus strand). Cytogenetic location: 5q22.2.
Variant type: single nucleotide variant.
Coding change: c.1660C>T on transcript NM_000038.6 (MANE Select); coding-DNA position 1660, C replaced by T.
Protein change: p.Arg554Ter; replaces arginine 554 with a stop codon.
Molecular consequence: nonsense.
Genome position (GRCh38, 1-based): chr5:112,828,889, C>T. VCF-style: chr5-112828889-C-T. GRCh37 (hg19) VCF-style: chr5-112164586-C-T.
Other names: c.1660C>T, p.Arg554Ter (NM_001127510.3, NM_001354895.2); c.1606C>T, p.Arg536Ter (NM_001127511.3); c.1714C>T, p.Arg572Ter (NM_001354896.2); c.1690C>T, p.Arg564Ter (NM_001354897.2); c.1585C>T, p.Arg529Ter (NM_001354898.2); c.1576C>T, p.Arg526Ter (NM_001354899.2); c.1537C>T, p.Arg513Ter (NM_001354900.2); c.1483C>T, p.Arg495Ter (NM_001354901.2); and 5 more; short protein forms R554*, R536*, R394*, R564*, R453*, R526*, R529*, R271*.
Identifiers: ClinVar variation 807 (VCV000000807.45), dbSNP rs137854573, ClinGen allele CA005424.
Genomic context (GRCh38, chr5:112,828,889, plus strand): 5'-ATTAATCTAAAATTGATTAATTTGCAGGTTATTGCGAGTGTTTTGAGGAATTTGTCTTGG[C>T]GAGCAGATGTAAATAGTAAAAAGACGTTGCGAGAAGTTGGAAGTGTGAAAGCATTGATGG-3'